The following is an entry in ClinVar:

NM_015662.3(IFT172):c.1837G>T (p.Ala613Ser)

Gene: IFT172 (intraflagellar transport 172; minus strand). Cytogenetic location: 2p23.3.
Variant type: single nucleotide variant.
Coding change: c.1837G>T on transcript NM_015662.3 (MANE Select); coding-DNA position 1837, G replaced by T.
Protein change: p.Ala613Ser; replaces alanine 613 with serine.
Molecular consequence: missense variant.
Genome position (GRCh38, 1-based): chr2:27,465,511, C>A on the plus strand (G>T on the coding strand, the complement: IFT172 is on the minus strand). VCF-style: chr2-27465511-C-A. GRCh37 (hg19) VCF-style: chr2-27688378-C-A.
Other names: c.1771G>T, p.Ala591Ser (NM_001410739.1); short protein forms A591S, A613S.
Identifiers: ClinVar variation 3354504 (VCV003354504.1).
Genomic context (GRCh38, chr2:27,465,511, plus strand): 5'-TACTCAAGGTTTTCCACATTGCCTCTGTTTCTGGGGTCATTTCCAGAGTCTCTAAGAAGG[C>A]TGTTGCCCTGGAAAGGGAAGGAAGCAAAGCATAATGAATGAGGAATGGGTTAGGAAGATA-3'
Protein context (NP_056477.1, residues 603-623): IDDGNYIRAT[Ala613Ser]FLETLEMTPE

ClinVar aggregate classification (germline): Uncertain significance (0 of 4 stars; one submission).

Conditions:
IFT172-related disorder. Also called: IFT172-related disorders; IFT172-related condition.

gnomAD v4.1: 1 of 1,613,930 alleles (0.000062%); highest among the groups gnomAD compares: Admixed American, 0.0017%; no homozygotes.

Submission:

PreventionGenetics, part of Exact Sciences
Classification: Uncertain significance for IFT172-related condition. Last evaluated: 2023-12-13. Review status: no assertion criteria provided. Collection method: clinical testing. Allele origin: germline.
Comment: The IFT172 c.1837G>T variant is predicted to result in the amino acid substitution p.Ala613Ser. To our knowledge, this variant has not been reported in the literature or in a large population database, indicating this variant is rare. At this time, the clinical significance of this variant is uncertain due to the absence of conclusive functional and genetic evidence.